The following is an entry in ClinVar:

ClinVar aggregate classification (germline): Benign. Review status: criteria provided, multiple submitters, no conflicts (2 of 4 stars). 11 submissions from 9 submitters: Benign (9). 2 of the submissions do not count toward it. Last evaluated 2026-02-03.

Conditions:
Greig cephalopolysyndactyly syndrome (GCPS). Also called: GLI3-Related Greig Cephalopolysyndactyly Syndrome; POLYSYNDACTYLY WITH PECULIAR SKULL SHAPE; Greig syndrome. Identifiers: Orphanet 380, MedGen C0265306, MONDO:0008287, OMIM 175700.
Polydactyly, postaxial, type A1. Identifiers: MedGen C4282400, MONDO:0008266, OMIM 174200.
Polysyndactyly 4. Also called: Polysyndactyly uncomplicated; Preaxial polydactyly 4. Identifiers: Orphanet 93338, MedGen C1868111, MONDO:0008272, OMIM 174700.
Pallister-Hall syndrome (PHS). Also called: HYPOTHALAMIC HAMARTOBLASTOMA, HYPOPITUITARISM, IMPERFORATE ANUS, AND POSTAXIAL POLYDACTYLY; GLI3-Related Pallister-Hall Syndrome. Identifiers: Orphanet 672, MedGen C0265220, MONDO:0007804, OMIM 146510.
Polydactyly. Also called: polydactylism. Identifiers: MedGen C0152427, MONDO:0021003, OMIM 603596, HP:0010442.

Allele frequency attached by ClinVar (database versions not stated): ESP Exome Variant Server 0.07350; gnomAD 0.07382 and 0.07677; gnomAD exomes 0.08827 and 0.06926; 1000 Genomes Project 30x 0.03670; 1000 Genomes Project 0.03834; TOPMed 0.06417; ExAC 0.07055.
gnomAD v4.1: 139,434 of 1,613,370 alleles (8.6%); highest among the groups gnomAD compares: Non-Finnish European, 9.9%; 6,934 homozygotes.

Submissions (11):

Labcorp Genetics (formerly Invitae), Labcorp
Classification: Benign for Pallister-Hall syndrome; Greig cephalopolysyndactyly syndrome. Last evaluated: 2026-02-03. Review status: criteria provided, single submitter. Criteria: Invitae Variant Classification Sherloc (09022015). Collection method: clinical testing. Allele origin: germline.

Blueprint Genetics
Classification: Benign. Last evaluated: 2024-11-27. Review status: criteria provided, single submitter. Criteria: ACMG Guidelines, 2015. Collection method: clinical testing. Allele origin: germline.

Mayo Clinic Laboratories, Mayo Clinic
Classification: Benign. Last evaluated: 2022-03-09. Review status: criteria provided, single submitter. Criteria: ACMG Guidelines, 2015. Collection method: clinical testing. Allele origin: germline. Observed: 7 variant alleles.

Fulgent Genetics
Classification: Benign for Pallister-Hall syndrome; Polydactyly, postaxial, type A1; Polysyndactyly 4; Greig cephalopolysyndactyly syndrome. Last evaluated: 2022-02-02. Review status: criteria provided, single submitter. Criteria: ACMG Guidelines, 2015. Collection method: clinical testing. Allele origin: unknown.

Illumina Laboratory Services, Illumina
Classification: Benign for Polydactyly. Last evaluated: 2018-01-13. Review status: criteria provided, single submitter. Criteria: ICSL Variant Classification Criteria 13 December 2019. Collection method: clinical testing. Allele origin: germline.
Comment: This variant was observed in the ICSL laboratory as part of a predisposition screen in an ostensibly healthy population. It had not been previously curated by ICSL or reported in the Human Gene Mutation Database (HGMD: prior to June 1st, 2018), and was therefore a candidate for classification through an automated scoring system. Utilizing variant allele frequency, disease prevalence and penetrance estimates, and inheritance mode, an automated score was calculated to assess if this variant is too frequent to cause the disease. Based on the score and internal cut-off values, a variant classified as benign is not then subjected to further curation. The score for this variant resulted in a classification of benign for this disease.

Illumina Laboratory Services, Illumina
Classification: Benign for Greig cephalopolysyndactyly syndrome. Last evaluated: 2018-01-13. Review status: criteria provided, single submitter. Criteria: ICSL Variant Classification Criteria 13 December 2019. Collection method: clinical testing. Allele origin: germline.
Comment: the same text as in the submission from Illumina Laboratory Services, Illumina above.

Illumina Laboratory Services, Illumina
Classification: Benign for Pallister-Hall syndrome. Last evaluated: 2018-01-13. Review status: criteria provided, single submitter. Criteria: ICSL Variant Classification Criteria 13 December 2019. Collection method: clinical testing. Allele origin: germline.
Comment: the same text as in the submission from Illumina Laboratory Services, Illumina above.

GeneDx
Classification: Benign. Last evaluated: 2015-03-03. Review status: criteria provided, single submitter. Criteria: GeneDx Variant Classification Process June 2021. Collection method: clinical testing. Allele origin: germline. Affected: yes.

PreventionGenetics, part of Exact Sciences
Classification: Benign. Review status: criteria provided, single submitter. Criteria: ACMG Guidelines, 2015. Collection method: clinical testing. Allele origin: germline.

Clinical Genetics DNA and cytogenetics Diagnostics Lab, Erasmus MC, Erasmus Medical Center
Classification: Benign. Review status: no assertion criteria provided. Collection method: clinical testing. Allele origin: germline. Affected: yes. Study: VKGL Data-share Consensus. Not counted in ClinVar's aggregate classification.

Clinical Genetics, Academic Medical Center
Classification: Benign. Review status: no assertion criteria provided. Collection method: clinical testing. Allele origin: germline. Affected: yes. Study: VKGL Data-share Consensus. Not counted in ClinVar's aggregate classification.

NM_000168.6(GLI3):c.900C>T (p.Ser300=)

Gene: GLI3 (GLI family zinc finger 3; minus strand). Cytogenetic location: 7p14.1.
Variant type: single nucleotide variant.
Coding change: c.900C>T on transcript NM_000168.6 (MANE Select); coding-DNA position 900, C replaced by T.
Protein change: p.Ser300=; no amino-acid change (serine 300 retained).
Molecular consequence: synonymous variant.
Genome position (GRCh38, 1-based): chr7:42,040,166, G>A on the plus strand (C>T on the coding strand, the complement: GLI3 is on the minus strand). VCF-style: chr7-42040166-G-A. GRCh37 (hg19) VCF-style: chr7-42079765-G-A.
Other names: p.Ser300=.
Identifiers: ClinVar variation 255451 (VCV000255451.22), dbSNP rs35961850, ClinGen allele CA4231024.
Genomic context (GRCh38, chr7:42,040,166, plus strand): 5'-AATCGTGACCAAGGAGTTGGGAGACGTCCTTATCATGGTCTGAAGGTCAAAGCTATGATC[G>A]GAGAGTGGTGATATGGACAGTGTACGTTTTCGGCTCGGCCTGGCTGACAGCCTGGGGCTG-3'
Protein context (NP_000159.3, residues 290-310): RKRTLSISPL[Ser300=]DHSFDLQTMI